The following is an entry in ClinVar:

ClinVar aggregate classification (germline): Likely benign. Review status: criteria provided, multiple submitters, no conflicts (2 of 4 stars). 2 submissions from 2 submitters: Likely benign (2). Last evaluated 2025-08-16.

Conditions:
KMT2D-related disorder. Also called: KMT2D-Related Disorders.

gnomAD v4.1: 11 of 1,613,830 alleles (0.00068%); highest among the groups gnomAD compares: African/African-American, 0.0013%; no homozygotes.

Submissions (2):

PreventionGenetics, part of Exact Sciences
Classification: Likely benign for KMT2D-related condition. Last evaluated: 2025-08-16. Review status: criteria provided, single submitter. Criteria: ACMG Guidelines, 2015. Collection method: clinical testing. Allele origin: germline.
Comment: This variant is classified as likely benign based on ACMG/AMP sequence variant interpretation guidelines (Richards et al. 2015 PMID: 25741868, with internal and published modifications).

CeGaT Center for Human Genetics Tuebingen
Classification: Likely benign. Last evaluated: 2025-02-01. Review status: criteria provided, single submitter. Criteria: CeGaT Center For Human Genetics Tuebingen Variant Classification Criteria Version 2. Collection method: clinical testing. Allele origin: germline. Affected: yes. Observed: 1 variant allele.
Comment: KMT2D: BP4, BP7

NM_003482.4(KMT2D):c.12468A>G (p.Gln4156=)

Gene: KMT2D (lysine methyltransferase 2D; minus strand). Cytogenetic location: 12q13.12.
Variant type: single nucleotide variant.
Coding change: c.12468A>G on transcript NM_003482.4 (MANE Select); coding-DNA position 12468, A replaced by G.
Protein change: p.Gln4156=; no amino-acid change (glutamine 4156 retained).
Molecular consequence: synonymous variant.
Genome position (GRCh38, 1-based): chr12:49,032,237, T>C on the plus strand (A>G on the coding strand, the complement: KMT2D is on the minus strand). VCF-style: chr12-49032237-T-C. GRCh37 (hg19) VCF-style: chr12-49426020-T-C.
Identifiers: ClinVar variation 3772421 (VCV003772421.14).
Genomic context (GRCh38, chr12:49,032,237, plus strand): 5'-TCCTGGTTTGGGAGGTTGTGGCCCTGTATTATTTTGCATGGGCCGCTCTAGCATGGGCTG[T>C]TGGGGGCCCAGAAGGTTCTGGGTCATGGACCCAGGCTGATCCCCTAAGGAAACAGAGGGC-3'
Protein context (NP_003473.3, residues 4146-4166): GSMTQNLLGP[Gln4156=]QPMLERPMQN